The following is an entry in ClinVar:

NM_004260.4(RECQL4):c.1033_1051del (p.Leu345fs)

Gene: RECQL4 (RecQ like helicase 4; minus strand). Cytogenetic location: 8q24.3.
Variant type: Deletion.
Coding change: c.1033_1051del on transcript NM_004260.4 (MANE Select); coding-DNA positions 1033 to 1051, 19 bases deleted (CTGGCCCGCCATGACAGGG).
Protein change: p.Leu345fs; shifts the reading frame from leucine 345.
Molecular consequence: frameshift variant. On other transcripts: 5 prime UTR variant (16), non-coding transcript variant (3), splice acceptor variant (3).
Genome position (GRCh38, 1-based): chr8:144,516,068-144,516,086, CCCTGTCATGGCGGGCCAG deleted on the plus strand (CTGGCCCGCCATGACAGGG on the coding strand, the reverse complement: RECQL4 is on the minus strand); deleting any 19 consecutive bases within chr8:144,516,068-144,516,088 gives the same sequence; the c. name uses the placement nearest the transcript's 3' end. VCF-style (leftmost placement, unchanged base first): chr8-144516067-CCCCTGTCATGGCGGGCCAG-C. GRCh37 (hg19) VCF-style: chr8-145741451-CCCCTGTCATGGCGGGCCAG-C.
Other names: c.-101_-83del (NM_001413041.1, NM_001413027.1, NM_001413030.1 and 2 more transcripts); c.-39_-21del (NM_001413042.1, NM_001413037.1, NM_001413038.1 and 7 more transcripts); c.-308_-290del (NM_001413043.1); c.954-17_955del (NM_001413017.1, NM_001413020.1); c.-22-17_-21del (NM_001413034.1); c.1033_1051del, p.Leu345fs (NM_001413039.1, NM_001413018.1, NM_001413019.1 and 2 more transcripts); c.904_922del, p.Leu302fs (NM_001413025.1); c.682_700del, p.Leu228fs (NM_001413029.1); short protein forms L302fs, L228fs, L345fs.
Identifiers: ClinVar variation 4717571 (VCV004717571.1).

ClinVar aggregate classification (germline): Pathogenic (1 of 4 stars; one submission).

Conditions:
Baller-Gerold syndrome (BGS). Also called: CRANIOSYNOSTOSIS WITH RADIAL DEFECTS. Identifiers: Orphanet 1225, MedGen C0265308, MONDO:0009039, OMIM 218600.

Submission:

Labcorp Genetics (formerly Invitae), Labcorp
Classification: Pathogenic for Baller-Gerold syndrome. Last evaluated: 2025-04-16. Review status: criteria provided, single submitter. Criteria: Invitae Variant Classification Sherloc (09022015). Collection method: clinical testing. Allele origin: germline.
Comment: This sequence change creates a premature translational stop signal (p.Leu345Alafs*8) in the RECQL4 gene. It is expected to result in an absent or disrupted protein product. Loss-of-function variants in RECQL4 are known to be pathogenic (PMID: 12734318, 12952869). This variant is not present in population databases (gnomAD no frequency). This variant has not been reported in the literature in individuals affected with RECQL4-related conditions. For these reasons, this variant has been classified as Pathogenic.

Literature cited by the submitters: PubMed 12734318; PubMed 12952869.